The following is an entry in ClinVar:

ClinVar aggregate classification (germline): Uncertain significance. Review status: criteria provided, multiple submitters, no conflicts (2 of 4 stars). 2 submissions from 2 submitters: Uncertain significance (2). Last evaluated 2025-06-26.

Conditions:
CDH23-related disorder. Also called: CDH23-related disorders; CDH23-related condition.

Allele frequency attached by ClinVar (database versions not stated): gnomAD exomes below 0.00001; gnomAD 0.00001; TOPMed 0.00001.
gnomAD v4.1: 2 of 1,613,216 alleles (0.00012%); highest among the groups gnomAD compares: East Asian, 0.0022%; no homozygotes.

Submissions (2):

PreventionGenetics, part of Exact Sciences
Classification: Uncertain significance for CDH23-related condition. Last evaluated: 2025-06-26. Review status: criteria provided, single submitter. Criteria: ACMG Guidelines, 2015. Collection method: clinical testing. Allele origin: germline.
Comment: The CDH23 c.8005A>G variant is predicted to result in the amino acid substitution p.Ile2669Val. This variant was reported without a second potentially causative CDH23 variant in two individuals with hearing loss (Miyagawa et al. 2012. PubMed ID: 22899989; Wagatsuma et al. 2007. PubMed ID: 17850630). This variant has not been reported in a large population database (gnomAD), indicating this variant is rare. At this time, the clinical significance of this variant is uncertain due to the absence of conclusive functional and genetic evidence.

Women's Health and Genetics/Laboratory Corporation of America, LabCorp
Classification: Uncertain significance. Last evaluated: 2022-03-03. Review status: criteria provided, single submitter. Criteria: LabCorp Variant Classification Summary - May 2015. Collection method: clinical testing. Allele origin: germline.
Comment: Variant summary: CDH23 c.8005A>G (p.Ile2669Val) results in a conservative amino acid change in the encoded protein sequence. Five of five in-silico tools predict a benign effect of the variant on protein function. The variant was absent in 247846 control chromosomes (gnomAD). The available data on variant occurrences in the general population are insufficient to allow any conclusion about variant significance. c.8005A>G has been reported in the literature in heterozygous individuals affected with hearing loss without evidence for causality (examples: Miyagawa_2012 and Wagatsuma_2007) . These reports do not provide unequivocal conclusions about association of the variant with Usher Syndrome. To our knowledge, no experimental evidence demonstrating an impact on protein function has been reported. No clinical diagnostic laboratories have submitted clinical-significance assessments for this variant to ClinVar after 2014. Based on the evidence outlined above, the variant was classified as uncertain significance.

Literature cited by the submitters: PubMed 22899989 (cited by Women's Health and Genetics/Laboratory Corporation of America, LabCorp); PubMed 17850630 (cited by Women's Health and Genetics/Laboratory Corporation of America, LabCorp).

NM_022124.6(CDH23):c.8005A>G (p.Ile2669Val)

Genes: CDH23 (cadherin related 23; plus strand), LOC111982869 (Sharpr-MPRA regulatory region 2121; plus strand). Cytogenetic location: 10q22.1.
Variant type: single nucleotide variant.
Coding change: c.8005A>G on transcript NM_022124.6 (MANE Select); coding-DNA position 8005, A replaced by G.
Protein change: p.Ile2669Val; replaces isoleucine 2669 with valine.
Molecular consequence: missense variant.
Genome position (GRCh38, 1-based): chr10:71,805,938, A>G. VCF-style: chr10-71805938-A-G. GRCh37 (hg19) VCF-style: chr10-73565695-A-G.
Other names: c.1285A>G, p.Ile429Val (NM_001171933.1, NM_001171934.1); short protein forms I2669V, I429V.
Identifiers: ClinVar variation 1677240 (VCV001677240.2), dbSNP rs1841701549, ClinGen allele CA377162141.